The following is an entry in ClinVar:

NM_174934.4(SCN4B):c.115A>G (p.Thr39Ala)

Gene: SCN4B (sodium voltage-gated channel beta subunit 4; minus strand). Cytogenetic location: 11q23.3.
Variant type: single nucleotide variant.
Coding change: c.115A>G on transcript NM_174934.4 (MANE Select); coding-DNA position 115, A replaced by G.
Protein change: p.Thr39Ala; replaces threonine 39 with alanine.
Molecular consequence: missense variant. On other transcripts: 5 prime UTR variant (1), non-coding transcript variant (1), intron variant (1).
Genome position (GRCh38, 1-based): chr11:118,145,176, T>C on the plus strand (A>G on the coding strand, the complement: SCN4B is on the minus strand). VCF-style: chr11-118145176-T-C. GRCh37 (hg19) VCF-style: chr11-118015891-T-C.
Other names: c.-216A>G (NM_001142349.2); c.62-3840A>G (NM_001142348.2); short protein forms T39A.
Identifiers: ClinVar variation 519285 (VCV000519285.17), dbSNP rs756210130, ClinGen allele CA6300290.

ClinVar aggregate classification (germline): Uncertain significance. Review status: criteria provided, multiple submitters, no conflicts (2 of 4 stars). 4 submissions from 4 submitters: Uncertain significance (4). Last evaluated 2024-02-17.

Conditions:
Cardiovascular phenotype. Identifiers: MedGen CN230736.
Long QT syndrome 10 (LQT10). Identifiers: Orphanet 101016, Orphanet 768, MedGen C2678484, MONDO:0012737, OMIM 611819.

Allele frequency attached by ClinVar (database versions not stated): gnomAD 0.00001; ExAC 0.00002; gnomAD exomes 0.00002 and 0.00003; TOPMed 0.00002.
gnomAD v4.1: 32 of 1,613,934 alleles (0.002%); highest among the groups gnomAD compares: Non-Finnish European, 0.0025%; no homozygotes.

Submissions (4):

Ambry Genetics
Classification: Uncertain significance for Cardiovascular phenotype. Last evaluated: 2024-02-17. Review status: criteria provided, single submitter. Criteria: Ambry Variant Classification Scheme 2023. Collection method: clinical testing. Allele origin: germline.
Comment: The p.T39A variant (also known as c.115A>G), located in coding exon 2 of the SCN4B gene, results from an A to G substitution at nucleotide position 115. The threonine at codon 39 is replaced by alanine, an amino acid with similar properties. In a study of long QT syndrome clinical genetic testing, this alteration was reported in one patient; however, clinical details were limited (Lieve KV et al. Genet Test Mol Biomarkers 2013 Jul; 17(7):553-61). This amino acid position is not well conserved in available vertebrate species. In addition, this alteration is predicted to be tolerated by in silico analysis. Since supporting evidence is limited at this time, the clinical significance of this alteration remains unclear.

Labcorp Genetics (formerly Invitae), Labcorp
Classification: Uncertain significance for Long QT syndrome 10. Last evaluated: 2023-02-16. Review status: criteria provided, single submitter. Criteria: Invitae Variant Classification Sherloc (09022015). Collection method: clinical testing. Allele origin: germline.
Comment: In summary, the available evidence is currently insufficient to determine the role of this variant in disease. Therefore, it has been classified as a Variant of Uncertain Significance. Algorithms developed to predict the effect of missense changes on protein structure and function output the following: SIFT: "Not Available"; PolyPhen-2: "Benign"; Align-GVGD: "Not Available". The alanine amino acid residue is found in multiple mammalian species, which suggests that this missense change does not adversely affect protein function. ClinVar contains an entry for this variant (Variation ID: 519285). This missense change has been observed in individual(s) with clinical features of SCN4B-related conditions (PMID: 23631430). This sequence change replaces threonine, which is neutral and polar, with alanine, which is neutral and non-polar, at codon 39 of the SCN4B protein (p.Thr39Ala). This variant is present in population databases (rs756210130, gnomAD 0.005%).

Fulgent Genetics
Classification: Uncertain significance for Long QT syndrome 10. Last evaluated: 2022-03-03. Review status: criteria provided, single submitter. Criteria: ACMG Guidelines, 2015. Collection method: clinical testing. Allele origin: unknown.

Women's Health and Genetics/Laboratory Corporation of America, LabCorp
Classification: Uncertain significance. Last evaluated: 2019-05-28. Review status: criteria provided, single submitter. Criteria: LabCorp Variant Classification Summary - May 2015. Collection method: clinical testing. Allele origin: germline.
Comment: Variant summary: SCN4B c.115A>G (p.Thr39Ala) results in a non-conservative amino acid change located in the Immunoglobulin-like domain (IPR007110) of the encoded protein sequence. Four of five in-silico tools predict a benign effect of the variant on protein function. The variant allele was found at a frequency of 3.2e-05 in 252080 control chromosomes (gnomAD). The available data on variant occurrences in the general population are insufficient to allow any conclusion about variant significance. c.115A>G has been reported in the literature in an individual with suspected Long QT syndrome (Lieve 2013). This report however, does not provide unequivocal conclusions about association of the variant with Arrhythmia. To our knowledge, no experimental evidence demonstrating an impact on protein function has been reported. One clinical diagnostic laboratory has submitted clinical-significance assessments for this variant to ClinVar after 2014 without evidence for independent evaluation and classified the variant as uncertain significance. Based on the evidence outlined above, the variant was classified as uncertain significance.

Literature cited by the submitters: PubMed 23631430 (cited by 3 submitters).